The following is an entry in ClinVar:

NM_001184.4(ATR):c.7734T>A (p.Asn2578Lys)

Gene: ATR (ATR checkpoint kinase; minus strand). Cytogenetic location: 3q23.
Variant type: single nucleotide variant.
Coding change: c.7734T>A on transcript NM_001184.4 (MANE Select); coding-DNA position 7734, T replaced by A.
Protein change: p.Asn2578Lys; replaces asparagine 2578 with lysine.
Molecular consequence: missense variant.
Genome position (GRCh38, 1-based): chr3:142,453,155, A>T on the plus strand (T>A on the coding strand, the complement: ATR is on the minus strand). VCF-style: chr3-142453155-A-T. GRCh37 (hg19) VCF-style: chr3-142171997-A-T.
Other names: c.7542T>A, p.Asn2514Lys (NM_001354579.2); short protein forms N2578K, N2514K.
Identifiers: ClinVar variation 2496623 (VCV002496623.6), dbSNP rs1440426009, ClinGen allele CA354794070.

ClinVar aggregate classification (germline): Uncertain significance. Review status: criteria provided, multiple submitters, no conflicts (2 of 4 stars). 2 submissions from 2 submitters: Uncertain significance (2). Last evaluated 2025-10-08.

Conditions:
Inborn genetic diseases. Identifiers: MedGen C0950123, MeSH D030342.

gnomAD v4.1: 13 of 1,614,164 alleles (0.00081%); highest among the groups gnomAD compares: Non-Finnish European, 0.001%; no homozygotes.

Submissions (2):

Ambry Genetics
Classification: Uncertain significance for Inborn genetic diseases. Last evaluated: 2025-10-08. Review status: criteria provided, single submitter. Criteria: Ambry Variant Classification Scheme 2023. Collection method: clinical testing. Allele origin: germline.

Labcorp Genetics (formerly Invitae), Labcorp
Classification: Uncertain significance. Last evaluated: 2023-06-22. Review status: criteria provided, single submitter. Criteria: Invitae Variant Classification Sherloc (09022015). Collection method: clinical testing. Allele origin: germline.
Comment: This sequence change replaces asparagine, which is neutral and polar, with lysine, which is basic and polar, at codon 2578 of the ATR protein (p.Asn2578Lys). This variant is present in population databases (no rsID available, gnomAD 0.0009%). This variant has not been reported in the literature in individuals affected with ATR-related conditions. ClinVar contains an entry for this variant (Variation ID: 2496623). An algorithm developed to predict the effect of missense changes on protein structure and function (PolyPhen-2) suggests that this variant is likely to be tolerated. In summary, the available evidence is currently insufficient to determine the role of this variant in disease. Therefore, it has been classified as a Variant of Uncertain Significance.